The following is an entry in ClinVar:

NM_000135.4(FANCA):c.3696T>G (p.Phe1232Leu)

Gene: FANCA (FA complementation group A; minus strand). Cytogenetic location: 16q24.3.
Variant type: single nucleotide variant.
Coding change: c.3696T>G on transcript NM_000135.4 (MANE Select); coding-DNA position 3696, T replaced by G.
Protein change: p.Phe1232Leu; replaces phenylalanine 1232 with leucine.
Molecular consequence: missense variant.
Genome position (GRCh38, 1-based): chr16:89,742,869, A>C on the plus strand (T>G on the coding strand, the complement: FANCA is on the minus strand). VCF-style: chr16-89742869-A-C. GRCh37 (hg19) VCF-style: chr16-89809277-A-C.
Other names: c.3696T>G (NM_000135.3, NM_000135.2); c.3696T>G, p.Phe1232Leu (NM_001286167.3); short protein forms F1232L.
Identifiers: ClinVar variation 1350659 (VCV001350659.12), dbSNP rs563966600, ClinGen allele CA8251019.

ClinVar aggregate classification (germline): Conflicting classifications of pathogenicity. Review status: criteria provided, conflicting classifications (1 of 4 stars). 4 submissions from 4 submitters: Uncertain significance (2); Likely benign (2). Last evaluated 2026-01-09.

Conditions:
Inborn genetic diseases. Identifiers: MedGen C0950123, MeSH D030342.
Fanconi anemia (FA). Also called: Fanconi's anemia. Identifiers: Orphanet 84, MedGen C0015625, MeSH D005199, MONDO:0019391.
Fanconi anemia complementation group A (FANCA). Also called: Fanconi anemia, group A; FANCA-Related Fanconi Anemia. Identifiers: Orphanet 84, MedGen C3469521, MONDO:0009215, OMIM 227650.

Allele frequency attached by ClinVar (database versions not stated): 1000 Genomes Project 0.00040; 1000 Genomes Project 30x 0.00047.
gnomAD v4.1: 10 of 1,614,092 alleles (0.00062%); highest among the groups gnomAD compares: East Asian, 0.018%; no homozygotes.

Submissions (4):

Labcorp Genetics (formerly Invitae), Labcorp
Classification: Likely benign for Fanconi anemia. Last evaluated: 2026-01-09. Review status: criteria provided, single submitter. Criteria: Invitae Variant Classification Sherloc (09022015). Collection method: clinical testing. Allele origin: germline.

Ambry Genetics
Classification: Uncertain significance for Inborn genetic diseases. Last evaluated: 2025-09-11. Review status: criteria provided, single submitter. Criteria: Ambry Variant Classification Scheme 2023. Collection method: clinical testing. Allele origin: germline.

Quest Diagnostics Nichols Institute San Juan Capistrano
Classification: Uncertain significance. Last evaluated: 2024-10-27. Review status: criteria provided, single submitter. Criteria: Quest Diagnostics criteria. Collection method: clinical testing. Allele origin: unknown.
Comment: The FANCA c.3696T>G (p.Phe1232Leu) variant has not been reported in individuals with FANCA-related conditions in the published literature. The frequency of this variant in the general population, 0.00049 (9/18392 chromosomes (Genome Aggregation Database)), is uninformative in the assessment of its pathogenicity. Analysis of this variant using bioinformatics tools for the prediction of the effect of amino acid changes on protein structure and function yielded predictions that this variant is benign. Based on the available information, we are unable to determine the clinical significance of this variant.

Fulgent Genetics
Classification: Likely benign for Fanconi anemia complementation group A. Last evaluated: 2024-06-23. Review status: criteria provided, single submitter. Criteria: ACMG Guidelines, 2015. Collection method: clinical testing. Allele origin: germline.